The following is an entry in ClinVar:

ClinVar aggregate classification (germline): Pathogenic/Likely pathogenic. Review status: criteria provided, multiple submitters, no conflicts (2 of 4 stars). 6 submissions from 6 submitters: Pathogenic (4); Likely pathogenic (1). 1 of the submissions does not count toward it. Last evaluated 2025-01-02.

Conditions:
Pyridoxine-dependent epilepsy (EPEO4). Also called: EPILEPSY, EARLY-ONSET, 4, VITAMIN B6-DEPENDENT; PYRIDOXINE DEPENDENCY WITH SEIZURES; Pyridoxine-Dependent Epilepsy - ALDH7A1; Pyridoxine-Dependent Seizures. Identifiers: Orphanet 3006, MedGen C1849508, MONDO:0009945, OMIM 266100. Disease mechanism: loss of function.

Allele frequency attached by ClinVar (database versions not stated): ExAC 0.00002.
gnomAD v4.1: 34 of 1,613,270 alleles (0.0021%); highest among the groups gnomAD compares: Non-Finnish European, 0.0028%; no homozygotes.

Submissions (6):

Labcorp Genetics (formerly Invitae), Labcorp
Classification: Pathogenic for Pyridoxine-dependent epilepsy. Last evaluated: 2025-01-02. Review status: criteria provided, single submitter. Criteria: Invitae Variant Classification Sherloc (09022015). Collection method: clinical testing. Allele origin: germline.
Comment: This sequence change replaces asparagine, which is neutral and polar, with isoleucine, which is neutral and non-polar, at codon 301 of the ALDH7A1 protein (p.Asn301Ile). This variant is present in population databases (rs121912711, gnomAD 0.004%). This missense change has been observed in individual(s) with pyridoxine-dependent epilepsy (PMID: 17068770, 20554659, 24664145). In at least one individual the data is consistent with being in trans (on the opposite chromosome) from a pathogenic variant. This variant is also known as p.Asn273Ile. ClinVar contains an entry for this variant (Variation ID: 18001). Invitae Evidence Modeling of protein sequence and biophysical properties (such as structural, functional, and spatial information, amino acid conservation, physicochemical variation, residue mobility, and thermodynamic stability) indicates that this missense variant is expected to disrupt ALDH7A1 protein function with a positive predictive value of 95%. Experimental studies have shown that this missense change affects ALDH7A1 function (PMID: 22784480). For these reasons, this variant has been classified as Pathogenic.

Revvity Omics, Revvity
Classification: Pathogenic for Pyridoxine-dependent epilepsy. Last evaluated: 2023-04-28. Review status: criteria provided, single submitter. Criteria: ACMG Guidelines, 2015. Collection method: clinical testing. Allele origin: germline.

Genome-Nilou Lab
Classification: Pathogenic for Pyridoxine-dependent epilepsy. Last evaluated: 2023-04-11. Review status: criteria provided, single submitter. Criteria: ACMG Guidelines, 2015. Collection method: clinical testing. Allele origin: germline. Affected: no.

GeneDx
Classification: Pathogenic. Last evaluated: 2022-07-13. Review status: criteria provided, single submitter. Criteria: GeneDx Variant Classification Process June 2021. Collection method: clinical testing. Allele origin: germline. Affected: yes.
Comment: Published functional studies did not demonstrate detectable enzymatic activity (Coulter-Mackie et al., 2012); In silico analysis supports that this missense variant has a deleterious effect on protein structure/function; This variant is associated with the following publications: (PMID: 25553455, 27342130, 30005813, 24664145, 17068770, 26555630, 23022070, 31737911, 30043187, 32956737, 22784480)

North West Genomic Laboratory Hub, Manchester University NHS Foundation Trust
Classification: Likely pathogenic for Pyridoxine-dependent epilepsy. Last evaluated: 2021-08-26. Review status: criteria provided, single submitter. Criteria: ACMG Guidelines, 2015. Collection method: clinical testing. Allele origin: germline. Affected: yes.
Comment: Criteria Codes: PS3_Supp PM2 PM3_Str PP3

OMIM
Classification: Pathogenic for EPILEPSY, EARLY-ONSET, 4, VITAMIN B6-DEPENDENT. Last evaluated: 2007-01-01. Review status: no assertion criteria provided. Collection method: literature only. Allele origin: germline. Not counted in ClinVar's aggregate classification.

Literature cited by the submitters: PubMed 17068770 (cited by 3 submitters); PubMed 20554659 (cited by Labcorp Genetics (formerly Invitae), Labcorp); PubMed 24664145 (cited by Labcorp Genetics (formerly Invitae), Labcorp and North West Genomic Laboratory Hub, Manchester University NHS Foundation Trust); PubMed 22784480 (cited by Labcorp Genetics (formerly Invitae), Labcorp and North West Genomic Laboratory Hub, Manchester University NHS Foundation Trust); PubMed 30043187 (cited by North West Genomic Laboratory Hub, Manchester University NHS Foundation Trust); PubMed 31737911 (cited by North West Genomic Laboratory Hub, Manchester University NHS Foundation Trust).

NM_001182.5(ALDH7A1):c.902A>T (p.Asn301Ile)

Gene: ALDH7A1 (aldehyde dehydrogenase 7 family member A1; minus strand). Cytogenetic location: 5q23.2.
Variant type: single nucleotide variant.
Coding change: c.902A>T on transcript NM_001182.5 (MANE Select); coding-DNA position 902, A replaced by T.
Protein change: p.Asn301Ile; replaces asparagine 301 with isoleucine.
Molecular consequence: missense variant.
Genome position (GRCh38, 1-based): chr5:126,561,094, T>A on the plus strand (A>T on the coding strand, the complement: ALDH7A1 is on the minus strand). VCF-style: chr5-126561094-T-A. GRCh37 (hg19) VCF-style: chr5-125896786-T-A.
Other names: c.818A>T, p.Asn273Ile (NM_001201377.2); c.902A>T, p.Asn301Ile (NM_001202404.2); short protein forms N273I, N301I.
Identifiers: ClinVar variation 18001 (VCV000018001.18), dbSNP rs121912711, ClinGen allele CA258085.
Genomic context (GRCh38, chr5:126,561,094, plus strand): 5'-ACTGTGGAAACTGAACAGAAAACAAACAAAAACAAAGAGGCAGCCTTACCAATAATGGCA[T>A]TGTTTCCTCCAAGTTCCAACAGACTTCTCCCTTAAAAGAAAAAAATTATATATAAAAATT-3'
Protein context (NP_001173.2, residues 291-311): GRSLLELGGN[Asn301Ile]AIIAFEDADL